The following is an entry in ClinVar:

NM_015662.3(IFT172):c.335C>T (p.Thr112Met)

Gene: IFT172 (intraflagellar transport 172; minus strand). Cytogenetic location: 2p23.3.
Variant type: single nucleotide variant.
Coding change: c.335C>T on transcript NM_015662.3 (MANE Select); coding-DNA position 335, C replaced by T.
Protein change: p.Thr112Met; replaces threonine 112 with methionine.
Molecular consequence: missense variant.
Genome position (GRCh38, 1-based): chr2:27,484,228, G>A on the plus strand (C>T on the coding strand, the complement: IFT172 is on the minus strand). VCF-style: chr2-27484228-G-A. GRCh37 (hg19) VCF-style: chr2-27707095-G-A.
Other names: short protein forms T112M.
Identifiers: ClinVar variation 1517023 (VCV001517023.5), dbSNP rs191146686, ClinGen allele CA1581037.

ClinVar aggregate classification (germline): Uncertain significance. Review status: criteria provided, multiple submitters, no conflicts (2 of 4 stars). 2 submissions from 2 submitters: Uncertain significance (2). Last evaluated 2023-11-23.

Conditions:
Retinitis pigmentosa 71 (RP71). Identifiers: Orphanet 791, MedGen C4225342, MONDO:0014618, OMIM 616394.
Short-rib thoracic dysplasia 10 with or without polydactyly (SRTD10). Identifiers: Orphanet 474, MedGen C3810175, MONDO:0014284, OMIM 615630.

Allele frequency attached by ClinVar (database versions not stated): ExAC 0.00002; gnomAD exomes 0.00002 and 0.00003; gnomAD 0.00003; TOPMed 0.00006.
gnomAD v4.1: 48 of 1,613,860 alleles (0.003%); highest among the groups gnomAD compares: African/African-American, 0.0067%; no homozygotes.

Submissions (2):

Blueprint Genetics
Classification: Uncertain significance. Last evaluated: 2023-11-23. Review status: criteria provided, single submitter. Criteria: ACMG Guidelines, 2015. Collection method: clinical testing. Allele origin: germline.

Labcorp Genetics (formerly Invitae), Labcorp
Classification: Uncertain significance for Retinitis pigmentosa 71; Short-rib thoracic dysplasia 10 with or without polydactyly. Last evaluated: 2023-10-03. Review status: criteria provided, single submitter. Criteria: Invitae Variant Classification Sherloc (09022015). Collection method: clinical testing. Allele origin: germline.
Comment: This sequence change replaces threonine, which is neutral and polar, with methionine, which is neutral and non-polar, at codon 112 of the IFT172 protein (p.Thr112Met). This variant is present in population databases (rs191146686, gnomAD 0.003%). This variant has not been reported in the literature in individuals affected with IFT172-related conditions. ClinVar contains an entry for this variant (Variation ID: 1517023). An algorithm developed to predict the effect of missense changes on protein structure and function (PolyPhen-2) suggests that this variant¬†is likely to be tolerated. In summary, the available evidence is currently insufficient to determine the role of this variant in disease. Therefore, it has been classified as a Variant of Uncertain Significance.